The following is an entry in ClinVar:

ClinVar aggregate classification (germline): Uncertain significance. Review status: criteria provided, multiple submitters, no conflicts (2 of 4 stars). 2 submissions from 2 submitters: Uncertain significance (2). Last evaluated 2024-02-26.

Allele frequency attached by ClinVar (database versions not stated): gnomAD exomes 0.00001; ExAC 0.00003; gnomAD 0.00003; TOPMed 0.00003.
gnomAD v4.1: 17 of 1,611,934 alleles (0.0011%); highest among the groups gnomAD compares: Middle Eastern, 0.016%; no homozygotes.

Submissions (2):

Ambry Genetics
Classification: Uncertain significance. Last evaluated: 2024-02-26. Review status: criteria provided, single submitter. Criteria: Ambry Variant Classification Scheme 2023. Collection method: clinical testing. Allele origin: germline.

Labcorp Genetics (formerly Invitae), Labcorp
Classification: Uncertain significance. Last evaluated: 2023-06-12. Review status: criteria provided, single submitter. Criteria: Invitae Variant Classification Sherloc (09022015). Collection method: clinical testing. Allele origin: germline.
Comment: In summary, the available evidence is currently insufficient to determine the role of this variant in disease. Therefore, it has been classified as a Variant of Uncertain Significance. An algorithm developed to predict the effect of missense changes on protein structure and function (PolyPhen-2) suggests that this variant is likely to be disruptive. This variant has not been reported in the literature in individuals affected with ZNF687-related conditions. This variant is present in population databases (rs769565828, gnomAD 0.003%). This sequence change replaces arginine, which is basic and polar, with glutamine, which is neutral and polar, at codon 1230 of the ZNF687 protein (p.Arg1230Gln).

NM_020832.3(ZNF687):c.3689G>A (p.Arg1230Gln)

Gene: ZNF687 (zinc finger protein 687; plus strand). Cytogenetic location: 1q21.3.
Variant type: single nucleotide variant.
Coding change: c.3689G>A on transcript NM_020832.3 (MANE Select); coding-DNA position 3689, G replaced by A.
Protein change: p.Arg1230Gln; replaces arginine 1230 with glutamine.
Molecular consequence: missense variant.
Genome position (GRCh38, 1-based): chr1:151,291,184, G>A. VCF-style: chr1-151291184-G-A. GRCh37 (hg19) VCF-style: chr1-151263660-G-A.
Other names: c.3689G>A (NM_020832.1); c.3689G>A, p.Arg1230Gln (NM_001304763.2, NM_001304764.2); short protein forms R1230Q.
Identifiers: ClinVar variation 2918669 (VCV002918669.4), dbSNP rs769565828, ClinGen allele CA1088928.